The following is an entry in ClinVar:

ClinVar aggregate classification (germline): Pathogenic (1 of 4 stars; one submission).

Conditions:
Capillary malformation-arteriovenous malformation syndrome. Also called: Capillary malformation-arteriovenous malformation. Identifiers: Orphanet 137667, MedGen C1842180, MONDO:0012016.

Submission:

Labcorp Genetics (formerly Invitae), Labcorp
Classification: Pathogenic for Capillary malformation-arteriovenous malformation syndrome. Last evaluated: 2022-12-07. Review status: criteria provided, single submitter. Criteria: Invitae Variant Classification Sherloc (09022015). Collection method: clinical testing. Allele origin: germline.
Comment: For these reasons, this variant has been classified as Pathogenic. This premature translational stop signal has been observed in individual(s) with capillary malformation-arteriovenous malformation (PMID: 24038909, 29891884). This variant is not present in population databases (gnomAD no frequency). This sequence change creates a premature translational stop signal (p.Asn407Serfs*3) in the RASA1 gene. It is expected to result in an absent or disrupted protein product. Loss-of-function variants in RASA1 are known to be pathogenic (PMID: 24038909).

Literature cited by the submitters: PubMed 24038909; PubMed 29891884.

NM_002890.3(RASA1):c.1220_1223del (p.Asn407fs)

Genes: CCNH (cyclin H; minus strand), RASA1 (RAS p21 protein activator 1; plus strand). Cytogenetic location: 5q14.3.
Variant type: Deletion.
Coding change: c.1220_1223del on transcript NM_002890.3 (MANE Select); coding-DNA positions 1220 to 1223, 4 bases deleted (ATCA; older notation c.1220_1223delATCA).
Protein change: p.Asn407fs; shifts the reading frame from asparagine 407.
Molecular consequence: frameshift variant. On other transcripts: intron variant (1).
Genome position (GRCh38, 1-based): chr5:87,349,331-87,349,334, ATCA deleted; deleting any 4 consecutive bases within chr5:87,349,329-87,349,334 gives the same sequence; the c. name uses the placement nearest the transcript's 3' end. VCF-style (leftmost placement, unchanged base first): chr5-87349328-ACAAT-A. GRCh37 (hg19) VCF-style: chr5-86645145-ACAAT-A.
Other names: c.689_692del, p.Asn230fs (NM_022650.3); c.934-36537_934-36534del (NM_001364075.2); short protein forms N230fs, N407fs.
Identifiers: ClinVar variation 2734737 (VCV002734737.3), dbSNP rs2531256358, ClinGen allele CA2695204751.